The following is an entry in ClinVar:

NM_001130438.3(SPTAN1):c.4414_4415delinsAC (p.Asp1472Thr)

Gene: SPTAN1 (spectrin alpha, non-erythrocytic 1; plus strand). Cytogenetic location: 9q34.11.
Variant type: Indel.
Coding change: c.4414_4415delinsAC on transcript NM_001130438.3 (MANE Select); coding-DNA positions 4414 to 4415, GA replaced by AC.
Protein change: p.Asp1472Thr; replaces aspartic acid 1472 with threonine.
Molecular consequence: missense variant.
Genome position (GRCh38, 1-based): chr9:128,608,199-128,608,200, GA replaced by AC. VCF-style: chr9-128608199-GA-AC. GRCh37 (hg19) VCF-style: chr9-131370478-GA-AC.
Other names: c.4354_4355delinsAC, p.Asp1452Thr (NM_001195532.2, NM_001363765.2, NM_001375314.2); c.4414_4415delinsAC, p.Asp1472Thr (NM_001363759.2, NM_001375310.1, NM_001375311.2 and 2 more transcripts); c.4450_4451delinsAC, p.Asp1484Thr (NM_001375312.2, NM_001375318.1); short protein forms D1452T, D1472T, D1484T.
Identifiers: ClinVar variation 1721993 (VCV001721993.5), dbSNP rs2541757586, ClinGen allele CA2580079748.

ClinVar aggregate classification (germline): Uncertain significance (1 of 4 stars; one submission).

Conditions:
Early-infantile DEE. Also called: Early infantile epileptic encephalopathy with suppression bursts; Early infantile epileptic encephalopathy; Ohtahara syndrome. Identifiers: Orphanet 1934, MedGen C0393706, MONDO:0800491.

Submission:

Labcorp Genetics (formerly Invitae), Labcorp
Classification: Uncertain significance for Early-infantile DEE. Last evaluated: 2022-12-31. Review status: criteria provided, single submitter. Criteria: Invitae Variant Classification Sherloc (09022015). Collection method: clinical testing. Allele origin: germline.
Comment: This sequence change replaces aspartic acid, which is acidic and polar, with threonine, which is neutral and polar, at codon 1472 of the SPTAN1 protein (p.Asp1472Thr). Information on the frequency of this variant in the gnomAD database is not available, as this variant may be reported differently in the database. In summary, the available evidence is currently insufficient to determine the role of this variant in disease. Therefore, it has been classified as a Variant of Uncertain Significance. Algorithms developed to predict the effect of missense changes on protein structure and function are either unavailable or do not agree on the potential impact of this missense change (SIFT: "Not Available"; PolyPhen-2: "Benign"; Align-GVGD: "Not Available"). ClinVar contains an entry for this variant (Variation ID: 1721993). This variant has not been reported in the literature in individuals affected with SPTAN1-related conditions.